The following is an entry in ClinVar:

ClinVar aggregate classification (germline): Uncertain significance (1 of 4 stars; one submission).

Allele frequency attached by ClinVar (database versions not stated): gnomAD exomes 0.00001 and 0.00002; TOPMed 0.00002.
gnomAD v4.1: 41 of 1,613,882 alleles (0.0025%); highest among the groups gnomAD compares: Middle Eastern, 0.049%; no homozygotes.

Submission:

Labcorp Genetics (formerly Invitae), Labcorp
Classification: Uncertain significance. Last evaluated: 2024-01-29. Review status: criteria provided, single submitter. Criteria: Invitae Variant Classification Sherloc (09022015). Collection method: clinical testing. Allele origin: germline.
Comment: This sequence change disrupts the translational stop signal of the KANK2 mRNA. It is expected to extend the length of the KANK2 protein by 2 additional amino acid residues. This variant is present in population databases (rs372511483, gnomAD 0.0009%). This variant has not been reported in the literature in individuals affected with KANK2-related conditions. ClinVar contains an entry for this variant (Variation ID: 1411488). Experimental studies and prediction algorithms are not available or were not evaluated, and the functional significance of this variant is currently unknown. In summary, the available evidence is currently insufficient to determine the role of this variant in disease. Therefore, it has been classified as a Variant of Uncertain Significance.

NM_001136191.3(KANK2):c.2554T>C (p.Ter852Gln)

Gene: KANK2 (KN motif and ankyrin repeat domains 2; minus strand). Cytogenetic location: 19p13.2.
Variant type: single nucleotide variant.
Coding change: c.2554T>C on transcript NM_001136191.3 (MANE Select); coding-DNA position 2554, T replaced by C.
Protein change: p.Ter852Gln.
Molecular consequence: stop lost.
Genome position (GRCh38, 1-based): chr19:11,166,560, A>G on the plus strand (T>C on the coding strand, the complement: KANK2 is on the minus strand). VCF-style: chr19-11166560-A-G. GRCh37 (hg19) VCF-style: chr19-11277236-A-G.
Other names: c.2554T>C, p.Ter852Gln (NM_001329451.2, NM_001379555.1, NM_001379556.1 and 7 more transcripts); c.2578T>C, p.Ter860Gln (NM_001379548.1, NM_001379549.1, NM_001379550.1 and 5 more transcripts).
Identifiers: ClinVar variation 1411488 (VCV001411488.8), dbSNP rs372511483, ClinGen allele CA305329280.